The following is an entry in ClinVar:

ClinVar aggregate classification (germline): Uncertain significance. Review status: criteria provided, multiple submitters, no conflicts (2 of 4 stars). 2 submissions from 2 submitters: Uncertain significance (2). Last evaluated 2025-10-22.

Allele frequency attached by ClinVar (database versions not stated): ExAC 0.00002; gnomAD exomes 0.00002; gnomAD 0.00003 and 0.00004; TOPMed 0.00005; ESP Exome Variant Server 0.00015.
gnomAD v4.1: 28 of 1,614,084 alleles (0.0017%); highest among the groups gnomAD compares: East Asian, 0.011%; no homozygotes.

Submissions (2):

Ambry Genetics
Classification: Uncertain significance. Last evaluated: 2025-10-22. Review status: criteria provided, single submitter. Criteria: Ambry Variant Classification Scheme 2023. Collection method: clinical testing. Allele origin: germline.

Labcorp Genetics (formerly Invitae), Labcorp
Classification: Uncertain significance. Last evaluated: 2023-07-29. Review status: criteria provided, single submitter. Criteria: Invitae Variant Classification Sherloc (09022015). Collection method: clinical testing. Allele origin: germline.
Comment: This variant is present in population databases (rs148785160, gnomAD 0.005%). This sequence change replaces tyrosine, which is neutral and polar, with histidine, which is basic and polar, at codon 264 of the RINT1 protein (p.Tyr264His). In summary, the available evidence is currently insufficient to determine the role of this variant in disease. Therefore, it has been classified as a Variant of Uncertain Significance. Algorithms developed to predict the effect of missense changes on protein structure and function output the following: SIFT: "Not Available"; PolyPhen-2: "Benign"; Align-GVGD: "Not Available". The histidine amino acid residue is found in multiple mammalian species, which suggests that this missense change does not adversely affect protein function. ClinVar contains an entry for this variant (Variation ID: 1000803). This variant has not been reported in the literature in individuals affected with RINT1-related conditions.

NM_021930.6(RINT1):c.790T>C (p.Tyr264His)

Gene: RINT1 (RAD50 interactor 1; plus strand). Cytogenetic location: 7q22.3.
Variant type: single nucleotide variant.
Coding change: c.790T>C on transcript NM_021930.6 (MANE Select); coding-DNA position 790, T replaced by C.
Protein change: p.Tyr264His; replaces tyrosine 264 with histidine.
Molecular consequence: missense variant. On other transcripts: 5 prime UTR variant (2), non-coding transcript variant (1), intron variant (1).
Genome position (GRCh38, 1-based): chr7:105,547,284, T>C. VCF-style: chr7-105547284-T-C. GRCh37 (hg19) VCF-style: chr7-105187731-T-C.
Other names: c.556T>C, p.Tyr186His (NM_001346599.2); c.-230T>C (NM_001346600.2); c.-133T>C (NM_001346601.2); c.-27-2771T>C (NM_001346603.2); short protein forms Y186H, Y264H.
Identifiers: ClinVar variation 1000803 (VCV001000803.13), dbSNP rs148785160, ClinGen allele CA4426528.